The following is an entry in ClinVar:

NM_004586.3(RPS6KA3):c.1217C>A (p.Ser406Ter)

Gene: RPS6KA3 (ribosomal protein S6 kinase A3; minus strand). Cytogenetic location: Xp22.12.
Variant type: single nucleotide variant.
Coding change: c.1217C>A on transcript NM_004586.3 (MANE Select); coding-DNA position 1217, C replaced by A.
Protein change: p.Ser406Ter; replaces serine 406 with a stop codon.
Molecular consequence: nonsense.
Genome position (GRCh38, 1-based): chrX:20,175,174, G>T on the plus strand (C>A on the coding strand, the complement: RPS6KA3 is on the minus strand). VCF-style: chrX-20175174-G-T. GRCh37 (hg19) VCF-style: chrX-20193292-G-T.
Other names: short protein forms S406*.
Identifiers: ClinVar variation 3383416 (VCV003383416.2).

ClinVar aggregate classification (germline): Likely pathogenic (1 of 4 stars; one submission).

Submission:

Centre of Medical Genetics, University Hospital Muenster
Classification: Likely pathogenic. Last evaluated: 2023-12-18. Review status: criteria provided, single submitter. Criteria: ACMG Guidelines, 2015. Collection method: clinical testing. Allele origin: unknown. Affected: yes. Observed: 1 variant allele, 1 heterozygote.
Comment: ACMG categories: PVS1,PM2